The following is an entry in ClinVar:

NM_001130009.3(GEN1):c.37G>C (p.Val13Leu)

Gene: GEN1 (GEN1 structure-specific endonuclease; plus strand). Cytogenetic location: 2p24.2.
Variant type: single nucleotide variant.
Coding change: c.37G>C on transcript NM_001130009.3 (MANE Select); coding-DNA position 37, G replaced by C.
Protein change: p.Val13Leu; replaces valine 13 with leucine.
Molecular consequence: missense variant.
Genome position (GRCh38, 1-based): chr2:17,759,980, G>C. VCF-style: chr2-17759980-G-C. GRCh37 (hg19) VCF-style: chr2-17941247-G-C.
Other names: c.37G>C, p.Val13Leu (NM_182625.5); short protein forms V13L.
Identifiers: ClinVar variation 4671495 (VCV004671495.1).

ClinVar aggregate classification (germline): Uncertain significance (1 of 4 stars; one submission).

Submission:

Ambry Genetics
Classification: Uncertain significance. Last evaluated: 2025-11-02. Review status: criteria provided, single submitter. Criteria: Ambry Variant Classification Scheme 2023. Collection method: clinical testing. Allele origin: germline.
Comment: The p.V13L variant (also known as c.37G>C), located in coding exon 1 of the GEN1 gene, results from a G to C substitution at nucleotide position 37. The valine at codon 13 is replaced by leucine, an amino acid with highly similar properties. This amino acid position is conserved. In addition, this alteration is predicted to be tolerated by in silico analysis. Based on the available evidence, the clinical significance of this variant remains unclear.